The following is an entry in ClinVar:

NM_198253.3(TERT):c.895G>T (p.Val299Leu)

Gene: TERT (telomerase reverse transcriptase; minus strand). Cytogenetic location: 5p15.33.
Variant type: single nucleotide variant.
Coding change: c.895G>T on transcript NM_198253.3 (MANE Select); coding-DNA position 895, G replaced by T.
Protein change: p.Val299Leu; replaces valine 299 with leucine.
Molecular consequence: missense variant. On other transcripts: non-coding transcript variant (2).
Genome position (GRCh38, 1-based): chr5:1,293,991, C>A on the plus strand (G>T on the coding strand, the complement: TERT is on the minus strand). VCF-style: chr5-1293991-C-A. GRCh37 (hg19) VCF-style: chr5-1294106-C-A.
Other names: c.895G>T, p.Val299Leu (NM_001193376.3); short protein forms V299L.
Identifiers: ClinVar variation 573848 (VCV000573848.12), dbSNP rs756624928, ClinGen allele CA359056266.
Genomic context (GRCh38, chr5:1,293,991, plus strand): 5'-TGTCCCAGGGACGTGGTGGCCGCGATGTGGATGGGGGGCCCGCGTGGTGCTGGCGGCCCA[C>A]GGATGGGTGGGAGTGGCGCGTGCCAGAGAGCGCACCCTCCAAAGAGGTGGCTTCTTCGGC-3'
Protein context (NP_937983.2, residues 289-309): LSGTRHSHPS[Val299Leu]GRQHHAGPPS

ClinVar aggregate classification (germline): Uncertain significance. Review status: criteria provided, multiple submitters, no conflicts (2 of 4 stars). 2 submissions from 2 submitters: Uncertain significance (2). Last evaluated 2025-12-15.

Conditions:
Idiopathic Pulmonary Fibrosis. Also called: Idiopathic fibrosing alveolitis, chronic form; idiopathic fibrosing alveolitis. Identifiers: Orphanet 2032, MedGen C1800706, MeSH D054990, MONDO:0800504.
Dyskeratosis congenita, autosomal dominant 2. Identifiers: MedGen C3151443, MONDO:0013521, OMIM 613989.
Dyskeratosis congenita. Identifiers: Orphanet 1775, MedGen C0265965, MONDO:0015780.

Allele frequency attached by ClinVar (database versions not stated): TOPMed 0.00001.
gnomAD v4.1: 1 of 1,574,230 alleles (0.000064%); highest among the groups gnomAD compares: Non-Finnish European, 0.000086%; no homozygotes.

Submissions (2):

Ambry Genetics
Classification: Uncertain significance for Dyskeratosis congenita. Last evaluated: 2025-12-15. Review status: criteria provided, single submitter. Criteria: Ambry Variant Classification Scheme 2023. Collection method: clinical testing. Allele origin: germline.
Comment: The p.V299L variant (also known as c.895G>T), located in coding exon 2 of the TERT gene, results from a G to T substitution at nucleotide position 895. The valine at codon 299 is replaced by leucine, an amino acid with highly similar properties. This amino acid position is conserved. In addition, this alteration is predicted to be tolerated by in silico analysis. Since supporting evidence is limited at this time, the clinical significance of this alteration remains unclear.

Labcorp Genetics (formerly Invitae), Labcorp
Classification: Uncertain significance for Dyskeratosis congenita, autosomal dominant 2; Idiopathic Pulmonary Fibrosis. Last evaluated: 2018-02-28. Review status: criteria provided, single submitter. Criteria: Invitae Variant Classification Sherloc (09022015). Collection method: clinical testing. Allele origin: germline.
Comment: This variant has not been reported in the literature in individuals with TERT-related disease. In summary, the available evidence is currently insufficient to determine the role of this variant in disease. Therefore, it has been classified as a Variant of Uncertain Significance. Algorithms developed to predict the effect of missense changes on protein structure and function output the following: SIFT: "Tolerated"; PolyPhen-2: "Benign"; Align-GVGD: "Class C0". The leucine amino acid residue is found in multiple mammalian species, suggesting that this missense change does not adversely affect protein function. These predictions have not been confirmed by published functional studies and their clinical significance is uncertain. This variant is not present in population databases (ExAC no frequency). This sequence change replaces valine with leucine at codon 299 of the TERT protein (p.Val299Leu). The valine residue is weakly conserved and there is a small physicochemical difference between valine and leucine.